The following is an entry in ClinVar:

ClinVar aggregate classification (germline): Uncertain significance (1 of 4 stars; one submission).

Conditions:
Hereditary cancer-predisposing syndrome. Also called: Neoplastic Syndromes, Hereditary; Hereditary neoplastic syndrome; Tumor predisposition; Hereditary Cancer Syndrome. Identifiers: Orphanet 140162, MedGen C0027672, MeSH D009386, MONDO:0015356.

Submission:

Ambry Genetics
Classification: Uncertain significance for Hereditary cancer-predisposing syndrome. Last evaluated: 2023-02-16. Review status: criteria provided, single submitter. Criteria: Ambry Variant Classification Scheme 2023. Collection method: clinical testing. Allele origin: germline.
Comment: The p.N120Y variant (also known as c.358A>T), located in coding exon 5 of the MAX gene, results from an A to T substitution at nucleotide position 358. The asparagine at codon 120 is replaced by tyrosine, an amino acid with dissimilar properties. This amino acid position is conserved. In addition, the in silico prediction for this alteration is inconclusive. Since supporting evidence is limited at this time, the clinical significance of this alteration remains unclear.

NM_002382.5(MAX):c.358A>T (p.Asn120Tyr)

Gene: MAX (MYC associated transcriptional regulator X; minus strand). Cytogenetic location: 14q23.3.
Variant type: single nucleotide variant.
Coding change: c.358A>T on transcript NM_002382.5 (MANE Select); coding-DNA position 358, A replaced by T.
Protein change: p.Asn120Tyr; replaces asparagine 120 with tyrosine.
Molecular consequence: missense variant. On other transcripts: 3 prime UTR variant (12), non-coding transcript variant (7), intron variant (2).
Genome position (GRCh38, 1-based): chr14:65,076,601, T>A on the plus strand (A>T on the coding strand, the complement: MAX is on the minus strand). VCF-style: chr14-65076601-T-A. GRCh37 (hg19) VCF-style: chr14-65543319-T-A.
Other names: c.169A>T, p.Asn57Tyr (NM_001320415.2, NM_001407105.1, NM_001407106.1 and 1 more transcripts); c.358A>T, p.Asn120Tyr (NM_001407094.1); c.331A>T, p.Asn111Tyr (NM_001407095.1, NM_145112.3); c.*131A>T (NM_001407096.1, NM_001407099.1, NM_001407102.1 and 2 more transcripts); c.*147A>T (NM_001407097.1, NM_001407100.1, NM_001407101.1 and 4 more transcripts); c.250A>T, p.Asn84Tyr (NM_001407098.1); c.157A>T, p.Asn53Tyr (NM_001407111.1, NM_001407112.1); c.144+17107A>T (NM_001271069.2); and 1 more; short protein forms N111Y, N120Y, N84Y, N53Y, N57Y.
Identifiers: ClinVar variation 2453897 (VCV002453897.2), dbSNP rs2504174927, ClinGen allele CA390031797.